The following is an entry in ClinVar:

ClinVar aggregate classification (germline): Uncertain significance (1 of 4 stars; one submission).

Conditions:
Fanconi anemia (FA). Also called: Fanconi's anemia. Identifiers: Orphanet 84, MedGen C0015625, MeSH D005199, MONDO:0019391.

Allele frequency attached by ClinVar (database versions not stated): gnomAD 0.00001 and 0.00002; TOPMed 0.00002; gnomAD exomes 0.00004; ExAC 0.00008; ESP Exome Variant Server 0.00008; 1000 Genomes Project 30x 0.00016; 1000 Genomes Project 0.00020.
gnomAD v4.1: 63 of 1,612,696 alleles (0.0039%); highest among the groups gnomAD compares: Middle Eastern, 0.02%; no homozygotes.

Submission:

Labcorp Genetics (formerly Invitae), Labcorp
Classification: Uncertain significance for Fanconi anemia. Last evaluated: 2022-11-18. Review status: criteria provided, single submitter. Criteria: Invitae Variant Classification Sherloc (09022015). Collection method: clinical testing. Allele origin: germline.
Comment: This sequence change replaces alanine, which is neutral and non-polar, with threonine, which is neutral and polar, at codon 748 of the SLX4 protein (p.Ala748Thr). This variant is present in population databases (rs373178144, gnomAD 0.02%). This variant has not been reported in the literature in individuals affected with SLX4-related conditions. ClinVar contains an entry for this variant (Variation ID: 665130). Algorithms developed to predict the effect of missense changes on protein structure and function output the following: SIFT: "Tolerated"; PolyPhen-2: "Benign"; Align-GVGD: "Class C0". The threonine amino acid residue is found in multiple mammalian species, which suggests that this missense change does not adversely affect protein function. In summary, the available evidence is currently insufficient to determine the role of this variant in disease. Therefore, it has been classified as a Variant of Uncertain Significance.

NM_032444.4(SLX4):c.2242G>A (p.Ala748Thr)

Gene: SLX4 (SLX4 structure-specific endonuclease subunit; minus strand). Cytogenetic location: 16p13.3.
Variant type: single nucleotide variant.
Coding change: c.2242G>A on transcript NM_032444.4 (MANE Select); coding-DNA position 2242, G replaced by A.
Protein change: p.Ala748Thr; replaces alanine 748 with threonine.
Molecular consequence: missense variant.
Genome position (GRCh38, 1-based): chr16:3,592,784, C>T on the plus strand (G>A on the coding strand, the complement: SLX4 is on the minus strand). VCF-style: chr16-3592784-C-T. GRCh37 (hg19) VCF-style: chr16-3642785-C-T.
Other names: c.2242G>A (LRG_503t1); short protein forms A748T.
Identifiers: ClinVar variation 665130 (VCV000665130.8), dbSNP rs373178144, ClinGen allele CA7866224.